The following is an entry in ClinVar:

NM_024417.5(FDXR):c.749C>T (p.Ala250Val)

Gene: FDXR (ferredoxin reductase; minus strand). Cytogenetic location: 17q25.1.
Variant type: single nucleotide variant.
Coding change: c.749C>T on transcript NM_024417.5 (MANE Select); coding-DNA position 749, C replaced by T.
Protein change: p.Ala250Val; replaces alanine 250 with valine.
Molecular consequence: missense variant. On other transcripts: non-coding transcript variant (1).
Genome position (GRCh38, 1-based): chr17:74,864,533, G>A on the plus strand (C>T on the coding strand, the complement: FDXR is on the minus strand). VCF-style: chr17-74864533-G-A. GRCh37 (hg19) VCF-style: chr17-72860655-G-A.
Other names: c.878C>T, p.Ala293Val (NM_001258012.4); c.842C>T, p.Ala281Val (NM_001258013.4); c.725C>T, p.Ala242Val (NM_001258014.4); c.629C>T, p.Ala210Val (NM_001258015.3); c.593C>T, p.Ala198Val (NM_001258016.3); c.767C>T, p.Ala256Val (NM_004110.6); short protein forms A293V, A281V, A210V, A250V, A198V, A242V, A256V.
Identifiers: ClinVar variation 3094355 (VCV003094355.4), dbSNP rs143449689, ClinGen allele CA8753039.

ClinVar aggregate classification (germline): Uncertain significance. Review status: criteria provided, multiple submitters, no conflicts (2 of 4 stars). 3 submissions from 3 submitters: Uncertain significance (3). Last evaluated 2025-08-13.

Conditions:
Inborn genetic diseases. Identifiers: MedGen C0950123, MeSH D030342.

Allele frequency attached by ClinVar (database versions not stated): ExAC 0.00002; gnomAD exomes 0.00002; ESP Exome Variant Server 0.00008; gnomAD 0.00011; TOPMed 0.00011.

Submissions (3):

Ambry Genetics
Classification: Uncertain significance for Inborn genetic diseases. Last evaluated: 2025-08-13. Review status: criteria provided, single submitter. Criteria: Ambry Variant Classification Scheme 2023. Collection method: clinical testing. Allele origin: germline.

Women's Health and Genetics/Laboratory Corporation of America, LabCorp
Classification: Uncertain significance. Last evaluated: 2025-05-30. Review status: criteria provided, single submitter. Criteria: LabCorp Variant Classification Summary - May 2015. Collection method: clinical testing. Allele origin: germline.
Comment: Variant summary: FDXR c.749C>T (p.Ala250Val) results in a non-conservative amino acid change in the encoded protein sequence. Algorithms developed to predict the effect of missense changes on protein structure and function are either unavailable or do not agree on the potential impact of this missense change. The variant allele was found at a frequency of 2.4e-05 in 250838 control chromosomes. The available data on variant occurrences in the general population are insufficient to allow any conclusion about variant significance. To our knowledge, no occurrence of c.749C>T in individuals affected with FDXR-Related Disorders and no experimental evidence demonstrating its impact on protein function have been reported. ClinVar contains an entry for this variant (Variation ID: 3094355). Based on the evidence outlined above, the variant was classified as uncertain significance.

Blueprint Genetics
Classification: Uncertain significance. Last evaluated: 2024-08-12. Review status: criteria provided, single submitter. Criteria: ACMG Guidelines, 2015. Collection method: clinical testing. Allele origin: germline.